The following is an entry in ClinVar:

NM_000428.3(LTBP2):c.1396C>A (p.Leu466Met)

Gene: LTBP2 (latent transforming growth factor beta binding protein 2; minus strand). Cytogenetic location: 14q24.3.
Variant type: single nucleotide variant.
Coding change: c.1396C>A on transcript NM_000428.3 (MANE Select); coding-DNA position 1396, C replaced by A.
Protein change: p.Leu466Met; replaces leucine 466 with methionine.
Molecular consequence: missense variant.
Genome position (GRCh38, 1-based): chr14:74,552,190, G>T on the plus strand (C>A on the coding strand, the complement: LTBP2 is on the minus strand). VCF-style: chr14-74552190-G-T. GRCh37 (hg19) VCF-style: chr14-75018893-G-T.
Other names: short protein forms L466M.
Identifiers: ClinVar variation 2049125 (VCV002049125.4), dbSNP rs1359960878, ClinGen allele CA390399914.

ClinVar aggregate classification (germline): Uncertain significance (1 of 4 stars; one submission).

Submission:

Labcorp Genetics (formerly Invitae), Labcorp
Classification: Uncertain significance. Last evaluated: 2022-07-26. Review status: criteria provided, single submitter. Criteria: Invitae Variant Classification Sherloc (09022015). Collection method: clinical testing. Allele origin: germline.
Comment: In summary, the available evidence is currently insufficient to determine the role of this variant in disease. Therefore, it has been classified as a Variant of Uncertain Significance. Algorithms developed to predict the effect of missense changes on protein structure and function output the following: SIFT: "Deleterious"; PolyPhen-2: "Benign"; Align-GVGD: "Class C0". The methionine amino acid residue is found in multiple mammalian species, which suggests that this missense change does not adversely affect protein function. This variant has not been reported in the literature in individuals affected with LTBP2-related conditions. This variant is not present in population databases (gnomAD no frequency). This sequence change replaces leucine, which is neutral and non-polar, with methionine, which is neutral and non-polar, at codon 466 of the LTBP2 protein (p.Leu466Met).